The following is an entry in ClinVar:

NM_025114.4(CEP290):c.560T>C (p.Ile187Thr)

Gene: CEP290 (centrosomal protein 290; minus strand). Cytogenetic location: 12q21.32.
Variant type: single nucleotide variant.
Coding change: c.560T>C on transcript NM_025114.4 (MANE Select); coding-DNA position 560, T replaced by C.
Protein change: p.Ile187Thr; replaces isoleucine 187 with threonine.
Molecular consequence: missense variant.
Genome position (GRCh38, 1-based): chr12:88,130,377, A>G on the plus strand (T>C on the coding strand, the complement: CEP290 is on the minus strand). VCF-style: chr12-88130377-A-G. GRCh37 (hg19) VCF-style: chr12-88524154-A-G.
Other names: short protein forms I187T.
Identifiers: ClinVar variation 2166311 (VCV002166311.3), dbSNP rs1452019494, ClinGen allele CA385986400.
Genomic context (GRCh38, chr12:88,130,377, plus strand): 5'-TGTGATCGGTAGTCACTGTCTTCCCCTCTTCTTGATAAAAGTGTTTCTTTCTGTGAATCT[A>G]TTTGTTTCTGGTAGTCAATAATATCCTGACAAAGTTGTTCATTCTGAAGGTAACCAAACA-3'
Protein context (NP_079390.3, residues 177-197): CQDIIDYQKQ[Ile187Thr]DSQKETLLSR

ClinVar aggregate classification (germline): Uncertain significance (1 of 4 stars; one submission).

Conditions:
Joubert syndrome. Also called: CEREBELLOPARENCHYMAL DISORDER IV; JOUBERT-BOLTSHAUSER SYNDROME; Familial aplasia of the vermis. Identifiers: Orphanet 475, MedGen C5979921, MONDO:0018772.
Nephronophthisis. Also called: Juvenile Nephronophthisis. Identifiers: Orphanet 655, MedGen C0687120, MONDO:0019005, HP:0000090.
Meckel-Gruber syndrome. Also called: DYSENCEPHALIA SPLANCHNOCYSTICA; GRUBER SYNDROME; Dysencephalia splachnocystica. Identifiers: Orphanet 564, MedGen C0265215, MONDO:0018921.

Allele frequency attached by ClinVar (database versions not stated): gnomAD 0.00001; gnomAD exomes 0.00001; TOPMed below 0.00001.
gnomAD v4.1: 13 of 1,610,270 alleles (0.00081%); highest among the groups gnomAD compares: South Asian, 0.0011%; no homozygotes.

Submission:

Labcorp Genetics (formerly Invitae), Labcorp
Classification: Uncertain significance for Joubert syndrome; Meckel-Gruber syndrome; Nephronophthisis. Last evaluated: 2024-10-28. Review status: criteria provided, single submitter. Criteria: Invitae Variant Classification Sherloc (09022015). Collection method: clinical testing. Allele origin: germline.
Comment: This sequence change replaces isoleucine, which is neutral and non-polar, with threonine, which is neutral and polar, at codon 187 of the CEP290 protein (p.Ile187Thr). This variant is present in population databases (no rsID available, gnomAD 0.007%). This variant has not been reported in the literature in individuals affected with CEP290-related conditions. ClinVar contains an entry for this variant (Variation ID: 2166311). Invitae Evidence Modeling of protein sequence and biophysical properties (such as structural, functional, and spatial information, amino acid conservation, physicochemical variation, residue mobility, and thermodynamic stability) has been performed for this missense variant. However, the output from this modeling did not meet the statistical confidence thresholds required to predict the impact of this variant on CEP290 protein function. In summary, the available evidence is currently insufficient to determine the role of this variant in disease. Therefore, it has been classified as a Variant of Uncertain Significance.